The following is an entry in ClinVar:

ClinVar aggregate classification (germline): Uncertain significance. Review status: criteria provided, multiple submitters, no conflicts (2 of 4 stars). 2 submissions from 2 submitters: Uncertain significance (2). Last evaluated 2025-02-05.

Conditions:
Cardiomyopathy (CMYO). Also called: Cardiomyopathies. Identifiers: Orphanet 167848, MedGen C0878544, MONDO:0004994, HP:0001638. Inheritance: Various modes of inheritance.
Catecholaminergic polymorphic ventricular tachycardia 1. Also called: VENTRICULAR TACHYCARDIA, STRESS-INDUCED POLYMORPHIC 1; VENTRICULAR TACHYCARDIA, CATECHOLAMINERGIC POLYMORPHIC, 1, WITH OR WITHOUT ATRIAL DYSFUNCTION AND/OR DILATED CARDIOMYOPATHY; RYR2-Related Catecholaminergic Polymorphic Ventricular Tachycardia. Identifiers: Orphanet 3286, MedGen C1631597, MONDO:0011484, OMIM 604772.

gnomAD v4.1: 1 of 1,399,782 alleles (0.000071%); no homozygotes.

Submissions (2):

Labcorp Genetics (formerly Invitae), Labcorp
Classification: Uncertain significance for Catecholaminergic polymorphic ventricular tachycardia 1. Last evaluated: 2025-02-05. Review status: criteria provided, single submitter. Criteria: Invitae Variant Classification Sherloc (09022015). Collection method: clinical testing. Allele origin: germline.
Comment: This sequence change replaces lysine, which is basic and polar, with asparagine, which is neutral and polar, at codon 3438 of the RYR2 protein (p.Lys3438Asn). This variant is not present in population databases (gnomAD no frequency). This variant has not been reported in the literature in individuals affected with RYR2-related conditions. ClinVar contains an entry for this variant (Variation ID: 1172029). Invitae Evidence Modeling of protein sequence and biophysical properties (such as structural, functional, and spatial information, amino acid conservation, physicochemical variation, residue mobility, and thermodynamic stability) indicates that this missense variant is expected to disrupt RYR2 protein function with a positive predictive value of 95%. In summary, the available evidence is currently insufficient to determine the role of this variant in disease. Therefore, it has been classified as a Variant of Uncertain Significance.

Color Diagnostics, LLC DBA Color Health
Classification: Uncertain significance for Cardiomyopathy. Last evaluated: 2024-03-06. Review status: criteria provided, single submitter. Criteria: ACMG Guidelines, 2015. Collection method: clinical testing. Allele origin: germline.
Comment: This missense variant replaces lysine with asparagine at codon 3438 of the RYR2 protein. Computational prediction is inconclusive regarding the impact of this variant on protein structure and function (internally defined REVEL score threshold 0.5 < inconclusive < 0.7, PMID: 27666373). To our knowledge, functional studies have not been reported for this variant. This variant has not been reported in individuals affected with cardiovascular disorders in the literature. This variant has not been identified in the general population by the Genome Aggregation Database (gnomAD). The available evidence is insufficient to determine the role of this variant in disease conclusively. Therefore, this variant is classified as a Variant of Uncertain Significance.

NM_001035.3(RYR2):c.10314G>T (p.Lys3438Asn)

Gene: RYR2 (ryanodine receptor 2; plus strand). Cytogenetic location: 1q43.
Variant type: single nucleotide variant.
Coding change: c.10314G>T on transcript NM_001035.3 (MANE Select); coding-DNA position 10314, G replaced by T.
Protein change: p.Lys3438Asn; replaces lysine 3438 with asparagine.
Molecular consequence: missense variant.
Genome position (GRCh38, 1-based): chr1:237,711,828, G>T. VCF-style: chr1-237711828-G-T. GRCh37 (hg19) VCF-style: chr1-237875128-G-T.
Other names: short protein forms K3438N.
Identifiers: ClinVar variation 1172029 (VCV001172029.8), dbSNP rs2149079692, ClinGen allele CA345412784.